The following is an entry in ClinVar:

NM_001040142.2(SCN2A):c.5752C>T (p.Arg1918Cys)

Gene: SCN2A (sodium voltage-gated channel alpha subunit 2; plus strand). Cytogenetic location: 2q24.3.
Variant type: single nucleotide variant.
Coding change: c.5752C>T on transcript NM_001040142.2 (MANE Select); coding-DNA position 5752, C replaced by T.
Protein change: p.Arg1918Cys; replaces arginine 1918 with cysteine.
Molecular consequence: missense variant.
Genome position (GRCh38, 1-based): chr2:165,389,558, C>T. VCF-style: chr2-165389558-C-T. GRCh37 (hg19) VCF-style: chr2-166246068-C-T.
Other names: c.5752C>T, p.Arg1918Cys (NM_001040143.2, NM_001371246.1, NM_001371247.1 and 1 more transcripts); short protein forms R1918C.
Identifiers: ClinVar variation 282579 (VCV000282579.65), dbSNP rs139899756, ClinGen allele CA1940421.

ClinVar aggregate classification (germline): Conflicting classifications of pathogenicity. Review status: criteria provided, conflicting classifications (1 of 4 stars). 8 submissions from 8 submitters: Uncertain significance (3); Likely benign (4). 1 of the submissions does not count toward it. Last evaluated 2026-09-02.

Conditions:
Complex neurodevelopmental disorder. Identifiers: Orphanet 528084, MedGen C5568766, MONDO:0100038.
Seizures, benign familial infantile, 3 (BFIS3). Also called: CONVULSIONS, BENIGN FAMILIAL INFANTILE, 3; Familial neonatal seizures. Identifiers: Orphanet 140927, Orphanet 306, MedGen C1843140, MONDO:0011904, OMIM 607745.
Episodic ataxia, type 9. Identifiers: MedGen C5394520, MONDO:0030064, OMIM 618924.
Developmental and epileptic encephalopathy, 11 (DEE11). Also called: Early infantile epileptic encephalopathy 11. Identifiers: Orphanet 1934, MedGen C3150987, MONDO:0013388, OMIM 613721.
SCN2A-related disorder. Also called: SCN2A-related condition; SCN2A-related disorders. Identifiers: MedGen CN382226, MONDO:1060245.
Inborn genetic diseases. Identifiers: MedGen C0950123, MeSH D030342.

Allele frequency attached by ClinVar (database versions not stated): ExAC 0.00008; gnomAD exomes 0.00009; gnomAD 0.00010 and 0.00011; TOPMed 0.00013; ESP Exome Variant Server 0.00023.
gnomAD v4.1: 159 of 1,613,734 alleles (0.0099%); highest among the groups gnomAD compares: Non-Finnish European, 0.012%; no homozygotes.

Submissions (8):

Ambry Genetics
Classification: Likely benign for Inborn genetic diseases. Last evaluated: 2026-09-02. Review status: criteria provided, single submitter. Criteria: Ambry Variant Classification Scheme 2023. Collection method: clinical testing. Allele origin: germline.

CeGaT Center for Human Genetics Tuebingen
Classification: Likely benign. Last evaluated: 2026-09-01. Review status: criteria provided, single submitter. Criteria: CeGaT Center For Human Genetics Tuebingen Variant Classification Criteria Version 2. Collection method: clinical testing. Allele origin: germline. Affected: yes. Observed: 7 variant alleles.
Comment: SCN2A: BS1

Labcorp Genetics (formerly Invitae), Labcorp
Classification: Likely benign for Seizures, benign familial infantile, 3; Developmental and epileptic encephalopathy, 11. Last evaluated: 2025-04-26. Review status: criteria provided, single submitter. Criteria: Invitae Variant Classification Sherloc (09022015). Collection method: clinical testing. Allele origin: germline.

Blueprint Genetics
Classification: Likely benign. Last evaluated: 2024-10-04. Review status: criteria provided, single submitter. Criteria: ACMG Guidelines, 2015. Collection method: clinical testing. Allele origin: germline.

GeneDx
Classification: Uncertain significance. Last evaluated: 2016-11-17. Review status: criteria provided, single submitter. Criteria: GeneDx Variant Classification (06012015). Collection method: clinical testing. Allele origin: germline. Affected: yes.
Comment: A variant of uncertain significance has been identified in the SCN2A gene. The R1918C variant has not been published as a pathogenic variant, nor has it been reported as a benign variant to our knowledge. The R1918C variant was not observed with any significant frequency in approximately 6,500 individuals of European and African American ancestry in an external variant database. The R1918C variant is a non-conservative amino acid substitution, which is likely to impact secondary protein structure as these residues differ in polarity, charge, size and/or other properties. This substitution alters a conserved residue predicted to be within the C-terminal cytoplasmic domain, and in silico analysis predicts this variant is probably damaging to the protein structure/function. However, missense variants in nearby residues have not been reported in the Human Gene Mutation Database in association with SCN2A-related disorders (Stenson et al., 2014). Therefore, based on the currently available information, it is unclear whether this variant is a pathogenic variant or a rare benign variant.

Eurofins Ntd Llc (ga)
Classification: Uncertain significance. Last evaluated: 2015-08-10. Review status: criteria provided, single submitter. Criteria: EGL Classification Definitions 2015. Collection method: clinical testing. Allele origin: germline. Observed: 1 variant allele, 1 heterozygote.

Center for Genomics, Ann and Robert H. Lurie Children's Hospital of Chicago
Classification: Uncertain significance for Seizures, benign familial infantile, 3; Developmental and epileptic encephalopathy, 11; Episodic ataxia, type 9. Review status: criteria provided, single submitter. Criteria: ACMG Guidelines, 2015. Collection method: clinical testing. Allele origin: germline.
Comment: SCN2A NM_021007.2 exon 27 p.Arg1918Cys (c.5752C>T): This variant has not been reported in the literature but is present in 20/125986 European alleles in the Genome Aggregation Database. This variant is present in ClinVar (Variation ID:282579). Evolutionary conservation and computational predictive tools for this variant are unclear. In summary, data on this variant is insufficient for disease classification. Therefore, the clinical significance of this variant is uncertain.

PreventionGenetics, part of Exact Sciences
Classification: Likely benign for SCN2A-related condition. Last evaluated: 2020-09-11. Review status: no assertion criteria provided. Collection method: clinical testing. Allele origin: germline. Not counted in ClinVar's aggregate classification.
Comment: This variant is classified as likely benign based on ACMG/AMP sequence variant interpretation guidelines (Richards et al. 2015 PMID: 25741868, with internal and published modifications).